The following is an entry in ClinVar:

NM_004655.4(AXIN2):c.2238-4T>C

Gene: AXIN2 (axin 2; minus strand). Cytogenetic location: 17q24.1.
Variant type: single nucleotide variant.
Coding change: c.2238-4T>C on transcript NM_004655.4 (MANE Select); 4 bases into the intron before coding-DNA position 2238, T replaced by C.
Molecular consequence: intron variant.
Genome position (GRCh38, 1-based): chr17:65,534,083, A>G on the plus strand (T>C on the coding strand, the complement: AXIN2 is on the minus strand). VCF-style: chr17-65534083-A-G. GRCh37 (hg19) VCF-style: chr17-63530201-A-G.
Other names: c.2043-4T>C (NM_001363813.1).
Identifiers: ClinVar variation 1146091 (VCV001146091.13), dbSNP rs1351225357, ClinGen allele CA627152131.

ClinVar aggregate classification (germline): Likely benign. Review status: criteria provided, multiple submitters, no conflicts (2 of 4 stars). 3 submissions from 3 submitters: Likely benign (3). Last evaluated 2025-07-21.

Conditions:
Hereditary cancer-predisposing syndrome. Also called: Hereditary neoplastic syndrome; Neoplastic Syndromes, Hereditary; Tumor predisposition; Hereditary Cancer Syndrome. Identifiers: Orphanet 140162, MedGen C0027672, MeSH D009386, MONDO:0015356.
Oligodontia-cancer predisposition syndrome. Also called: TOOTH AGENESIS-COLORECTAL CANCER SYNDROME. Identifiers: Orphanet 300576, MedGen C1837750, MONDO:0012075, OMIM 608615. Disease mechanism: loss of function.

Allele frequency attached by ClinVar (database versions not stated): gnomAD exomes below 0.00001.
gnomAD v4.1: 3 of 1,614,214 alleles (0.00019%); highest among the groups gnomAD compares: Middle Eastern, 0.016%; no homozygotes.

Submissions (3):

Ambry Genetics
Classification: Likely benign for Hereditary cancer-predisposing syndrome. Last evaluated: 2025-07-21. Review status: criteria provided, single submitter. Criteria: Ambry Variant Classification Scheme 2023. Collection method: clinical testing. Allele origin: germline.

Labcorp Genetics (formerly Invitae), Labcorp
Classification: Likely benign for Oligodontia-cancer predisposition syndrome. Last evaluated: 2025-03-24. Review status: criteria provided, single submitter. Criteria: Invitae Variant Classification Sherloc (09022015). Collection method: clinical testing. Allele origin: germline.

Myriad Genetics, Inc.
Classification: Likely benign for Oligodontia-cancer predisposition syndrome. Last evaluated: 2024-07-10. Review status: criteria provided, single submitter. Criteria: Myriad Autosomal Dominant, Autosomal Recessive and X-Linked Classification Criteria (2023). Collection method: clinical testing. Allele origin: unknown.
Comment: This variant is considered likely benign. This variant is intronic and is not expected to impact mRNA splicing.